The following is an entry in ClinVar:

ClinVar aggregate classification (germline): Uncertain significance (1 of 4 stars; one submission).

Allele frequency attached by ClinVar (database versions not stated): TOPMed 0.00001.
gnomAD v4.1: 6 of 1,209,789 alleles (0.0005%); highest among the groups gnomAD compares: Admixed American, 0.013%; no homozygotes.

Submission:

GeneDx
Classification: Uncertain significance. Last evaluated: 2017-06-20. Review status: criteria provided, single submitter. Criteria: GeneDx Variant Classification (06012015). Collection method: clinical testing. Allele origin: germline. Affected: yes.
Comment: The Q845H variant in the BRWD3 gene has not been reported previously as a pathogenic variant, nor as a benign variant, to our knowledge. The Q845H variant is not observed in large population cohorts (Lek et al., 2016; 1000 Genomes Consortium et al., 2015; Exome Variant Server). The Q845H variant is a semi-conservative amino acid substitution, which may impact secondary protein structure as these residues differ in some properties. This substitution occurs at a position that is conserved across species. In silico analysis is inconsistent in its predictions as to whether or not the variant is damaging to the protein structure/function. We interpret Q845H as a variant of uncertain significance.

NM_153252.5(BRWD3):c.2535A>C (p.Gln845His)

Gene: BRWD3 (bromodomain and WD repeat domain containing 3; minus strand). Cytogenetic location: Xq21.1.
Variant type: single nucleotide variant.
Coding change: c.2535A>C on transcript NM_153252.5 (MANE Select); coding-DNA position 2535, A replaced by C.
Protein change: p.Gln845His; replaces glutamine 845 with histidine.
Molecular consequence: missense variant.
Genome position (GRCh38, 1-based): chrX:80,707,444, T>G on the plus strand (A>C on the coding strand, the complement: BRWD3 is on the minus strand). VCF-style: chrX-80707444-T-G. GRCh37 (hg19) VCF-style: chrX-79962943-T-G.
Other names: short protein forms Q845H.
Identifiers: ClinVar variation 432793 (VCV000432793.2), dbSNP rs145526845, ClinGen allele CA413628939.
Genomic context (GRCh38, chrX:80,707,444, plus strand): 5'-AACTGTTCAATAATTTTGACCAAATTAAAACCATTAAAACTACCTGGAAGAACTTTCACT[T>G]TGCCATTCAACAACAGGATCCTCTACCGAAGCGTCACTTGTGCCAACAGTTTCATCTTCC-3'
Protein context (NP_694984.5, residues 835-855): ASVEDPVVEW[Gln845His]SESSSSDSSS